The following is an entry in ClinVar:

NM_003722.5(TP63):c.1999del (p.Ala667fs)

Gene: TP63 (tumor protein p63; plus strand). Cytogenetic location: 3q28.
Variant type: Deletion.
Coding change: c.1999del on transcript NM_003722.5 (MANE Select); coding-DNA position 1999, one base deleted (G; older notation c.1999delG).
Protein change: p.Ala667fs; shifts the reading frame from alanine 667.
Molecular consequence: frameshift variant. On other transcripts: 3 prime UTR variant (6).
Genome position (GRCh38, 1-based): chr3:189,894,458, G deleted. VCF-style (leftmost placement, unchanged base first): chr3-189894457-TG-T. GRCh37 (hg19) VCF-style: chr3-189612246-TG-T.
Other names: c.*237del (NM_001114978.2, NM_001114981.2); c.1717del, p.Ala573fs (NM_001114980.2); c.*227del (NM_001329144.2, NM_001329145.2, NM_001329149.2 and 1 more transcripts); c.1462del, p.Ala488fs (NM_001329146.2); c.1987del, p.Ala663fs (NM_001329148.2); c.1993del, p.Ala665fs (NM_001329964.2); short protein forms A663fs, A573fs, A665fs, A488fs, A667fs.
Identifiers: ClinVar variation 3729545 (VCV003729545.1).

ClinVar aggregate classification (germline): Pathogenic (1 of 4 stars; one submission).

Conditions:
TP63-Related Spectrum Disorders.

Submission:

Labcorp Genetics (formerly Invitae), Labcorp
Classification: Pathogenic. Last evaluated: 2025-01-23. Review status: criteria provided, single submitter. Criteria: Invitae Variant Classification Sherloc (09022015). Collection method: clinical testing. Allele origin: germline.
Comment: This sequence change results in a frameshift in the TP63 gene (p.Ala667Leufs*37). While this is not anticipated to result in nonsense mediated decay, it is expected to disrupt the last 14 amino acid(s) of the TP63 protein and extend the protein by 22 additional amino acid residues. This variant is not present in population databases (gnomAD no frequency). This variant has not been reported in the literature in individuals affected with TP63-related conditions. This variant disrupts a region of the TP63 protein in which other variant(s) (p.Gln673*) have been determined to be pathogenic (PMID: 11462173, 21652629). This suggests that this is a clinically significant region of the protein, and that variants that disrupt it are likely to be disease-causing. For these reasons, this variant has been classified as Pathogenic.

Literature cited by the submitters: PubMed 11462173; PubMed 21652629.